The following is an entry in ClinVar:

ClinVar aggregate classification (germline): Uncertain significance. Review status: criteria provided, multiple submitters, no conflicts (2 of 4 stars). 3 submissions from 2 submitters: Uncertain significance (3). Last evaluated 2024-01-01.

Conditions:
Congenital myasthenic syndrome (CMS). Also called: Congenital Myasthenic Syndromes. Identifiers: Orphanet 590, MedGen C0751882, MeSH D020294, MONDO:0018940.
Lethal multiple pterygium syndrome (LMPS). Identifiers: Orphanet 33108, MedGen C1854678, MONDO:0009668, OMIM 253290.

Allele frequency attached by ClinVar (database versions not stated): gnomAD 0.00002; TOPMed 0.00002.

Submissions (3):

Labcorp Genetics (formerly Invitae), Labcorp
Classification: Uncertain significance for Lethal multiple pterygium syndrome. Last evaluated: 2024-01-01. Review status: criteria provided, single submitter. Criteria: Invitae Variant Classification Sherloc (09022015). Collection method: clinical testing. Allele origin: germline.
Comment: This sequence change replaces arginine, which is basic and polar, with glutamine, which is neutral and polar, at codon 202 of the CHRNA1 protein (p.Arg202Gln). This variant is present in population databases (rs769337073, gnomAD 0.01%). This variant has not been reported in the literature in individuals affected with CHRNA1-related conditions. ClinVar contains an entry for this variant (Variation ID: 332447). Advanced modeling of protein sequence and biophysical properties (such as structural, functional, and spatial information, amino acid conservation, physicochemical variation, residue mobility, and thermodynamic stability) performed at Invitae indicates that this missense variant is not expected to disrupt CHRNA1 protein function with a negative predictive value of 80%. In summary, the available evidence is currently insufficient to determine the role of this variant in disease. Therefore, it has been classified as a Variant of Uncertain Significance.

Illumina Laboratory Services, Illumina
Classification: Uncertain significance for Lethal multiple pterygium syndrome. Last evaluated: 2018-01-13. Review status: criteria provided, single submitter. Criteria: ICSL Variant Classification Criteria 13 December 2019. Collection method: clinical testing. Allele origin: germline.

Illumina Laboratory Services, Illumina
Classification: Uncertain significance for Congenital myasthenic syndrome. Last evaluated: 2018-01-13. Review status: criteria provided, single submitter. Criteria: ICSL Variant Classification Criteria 13 December 2019. Collection method: clinical testing. Allele origin: germline.

NM_000079.4(CHRNA1):c.605G>A (p.Arg202Gln)

Gene: CHRNA1 (cholinergic receptor nicotinic alpha 1 subunit; minus strand). Cytogenetic location: 2q31.1.
Variant type: single nucleotide variant.
Coding change: c.605G>A on transcript NM_000079.4 (MANE Select); coding-DNA position 605, G replaced by A.
Protein change: p.Arg202Gln; replaces arginine 202 with glutamine.
Molecular consequence: missense variant.
Genome position (GRCh38, 1-based): chr2:174,753,676, C>T on the plus strand (G>A on the coding strand, the complement: CHRNA1 is on the minus strand). VCF-style: chr2-174753676-C-T. GRCh37 (hg19) VCF-style: chr2-175618404-C-T.
Other names: c.680G>A, p.Arg227Gln (NM_001039523.3); short protein forms R202Q, R227Q.
Identifiers: ClinVar variation 332447 (VCV000332447.12), dbSNP rs769337073, ClinGen allele CA1974510.